The following is an entry in ClinVar:

NM_021098.3(CACNA1H):c.4485G>A (p.Met1495Ile)

Gene: CACNA1H (calcium voltage-gated channel subunit alpha1 H; plus strand). Cytogenetic location: 16p13.3.
Variant type: single nucleotide variant.
Coding change: c.4485G>A on transcript NM_021098.3 (MANE Select); coding-DNA position 4485, G replaced by A.
Protein change: p.Met1495Ile; replaces methionine 1495 with isoleucine.
Molecular consequence: missense variant.
Genome position (GRCh38, 1-based): chr16:1,211,724, G>A. VCF-style: chr16-1211724-G-A. GRCh37 (hg19) VCF-style: chr16-1261724-G-A.
Other names: c.4485G>A, p.Met1495Ile (NM_001005407.2); short protein forms M1495I.
Identifiers: ClinVar variation 1317138 (VCV001317138.2), dbSNP rs2141350000, ClinGen allele CA394180136.

ClinVar aggregate classification (germline): Uncertain significance (1 of 4 stars; one submission).

Submission:

GeneDx
Classification: Uncertain significance. Last evaluated: 2019-04-01. Review status: criteria provided, single submitter. Criteria: GeneDx Variant Classification Process June 2021. Collection method: clinical testing. Allele origin: germline. Affected: yes.
Comment: Not observed in large population cohorts (Lek et al., 2016); In silico analysis, which includes protein predictors and evolutionary conservation, supports a deleterious effect; Has not been previously published as pathogenic or benign to our knowledge